The following is an entry in ClinVar:

ClinVar aggregate classification (germline): Conflicting classifications of pathogenicity. Review status: criteria provided, conflicting classifications (1 of 4 stars). 9 submissions from 9 submitters: Uncertain significance (8); Likely benign (1). Last evaluated 2024-09-01.

Conditions:
Inborn genetic diseases. Identifiers: MedGen C0950123, MeSH D030342.
Rafiq syndrome (RAFQS). Identifiers: Orphanet 88616, MedGen C3280127, MONDO:0013624, OMIM 614202.

Allele frequency attached by ClinVar (database versions not stated): TOPMed 0.00075; 1000 Genomes Project 30x 0.00078; 1000 Genomes Project 0.00080; gnomAD 0.00083 and 0.00087; ESP Exome Variant Server 0.00085.
gnomAD v4.1: 2,253 of 1,614,196 alleles (0.14%); highest among the groups gnomAD compares: Non-Finnish European, 0.18%; 2 homozygotes.

Submissions (9):

CeGaT Center for Human Genetics Tuebingen
Classification: Likely benign. Last evaluated: 2024-09-01. Review status: criteria provided, single submitter. Criteria: CeGaT Center For Human Genetics Tuebingen Variant Classification Criteria Version 2. Collection method: clinical testing. Allele origin: germline. Affected: yes. Observed: 2 variant alleles.
Comment: MAN1B1: BP4

GeneDx
Classification: Uncertain significance. Last evaluated: 2023-11-12. Review status: criteria provided, single submitter. Criteria: GeneDx Variant Classification Process June 2021. Collection method: clinical testing. Allele origin: germline. Affected: yes.
Comment: In silico analysis supports that this missense variant does not alter protein structure/function; Has not been previously published as pathogenic or benign to our knowledge

Labcorp Genetics (formerly Invitae), Labcorp
Classification: Uncertain significance for Rafiq syndrome. Last evaluated: 2022-10-19. Review status: criteria provided, single submitter. Criteria: Invitae Variant Classification Sherloc (09022015). Collection method: clinical testing. Allele origin: germline.
Comment: This sequence change replaces isoleucine, which is neutral and non-polar, with leucine, which is neutral and non-polar, at codon 102 of the MAN1B1 protein (p.Ile102Leu). This variant is present in population databases (rs149322865, gnomAD 0.1%), and has an allele count higher than expected for a pathogenic variant. This variant has not been reported in the literature in individuals affected with MAN1B1-related conditions. ClinVar contains an entry for this variant (Variation ID: 435802). Algorithms developed to predict the effect of missense changes on protein structure and function output the following: SIFT: "Tolerated"; PolyPhen-2: "Benign"; Align-GVGD: "Class C0". The leucine amino acid residue is found in multiple mammalian species, which suggests that this missense change does not adversely affect protein function. In summary, the available evidence is currently insufficient to determine the role of this variant in disease. Therefore, it has been classified as a Variant of Uncertain Significance.

Baylor Genetics
Classification: Uncertain significance for Rafiq syndrome. Last evaluated: 2022-08-18. Review status: criteria provided, single submitter. Criteria: ACMG Guidelines, 2015. Collection method: clinical testing. Allele origin: unknown.

Fulgent Genetics
Classification: Uncertain significance for Rafiq syndrome. Last evaluated: 2021-08-02. Review status: criteria provided, single submitter. Criteria: ACMG Guidelines, 2015. Collection method: clinical testing. Allele origin: unknown.

Ambry Genetics
Classification: Uncertain significance for Inborn genetic diseases. Last evaluated: 2019-03-02. Review status: criteria provided, single submitter. Criteria: Ambry Variant Classification Scheme 2023. Collection method: clinical testing. Allele origin: germline.
Comment: The p.I102L variant (also known as c.304A>C), located in coding exon 2 of the MAN1B1 gene, results from an A to C substitution at nucleotide position 304. The isoleucine at codon 102 is replaced by leucine, an amino acid with highly similar properties.This amino acid position is poorly conserved in available vertebrate species. In addition, this alteration is predicted to be tolerated by in silico analysis. Since supporting evidence is limited at this time, the clinical significance of this alteration remains unclear.

Illumina Laboratory Services, Illumina
Classification: Uncertain significance for Rafiq syndrome. Last evaluated: 2018-01-12. Review status: criteria provided, single submitter. Criteria: ICSL Variant Classification Criteria 13 December 2019. Collection method: clinical testing. Allele origin: germline.

Genetic Services Laboratory, University of Chicago
Classification: Uncertain significance. Last evaluated: 2016-12-08. Review status: criteria provided, single submitter. Criteria: ACMG Guidelines, 2015. Collection method: clinical testing. Allele origin: germline. Affected: no.

Breakthrough Genomics
Classification: Uncertain significance. Review status: criteria provided, single submitter. Criteria: ACMG Guidelines, 2015. Collection method: not provided. Allele origin: germline. Inheritance: Autosomal recessive inheritance. Affected: yes.

NM_016219.5(MAN1B1):c.304A>C (p.Ile102Leu)

Gene: MAN1B1 (mannosidase alpha class 1B member 1; plus strand). Cytogenetic location: 9q34.3.
Variant type: single nucleotide variant.
Coding change: c.304A>C on transcript NM_016219.5 (MANE Select); coding-DNA position 304, A replaced by C.
Protein change: p.Ile102Leu; replaces isoleucine 102 with leucine.
Molecular consequence: missense variant. On other transcripts: non-coding transcript variant (2).
Genome position (GRCh38, 1-based): chr9:137,088,159, A>C. VCF-style: chr9-137088159-A-C. GRCh37 (hg19) VCF-style: chr9-139982611-A-C.
Other names: short protein forms I102L.
Identifiers: ClinVar variation 435802 (VCV000435802.41), dbSNP rs149322865, ClinGen allele CA5358535.